The following is an entry in ClinVar:

NM_003002.4(SDHD):c.93C>G (p.Ile31Met)

Gene: SDHD (succinate dehydrogenase complex subunit D; plus strand). Cytogenetic location: 11q23.1.
Variant type: single nucleotide variant.
Coding change: c.93C>G on transcript NM_003002.4 (MANE Select); coding-DNA position 93, C replaced by G.
Protein change: p.Ile31Met; replaces isoleucine 31 with methionine.
Molecular consequence: missense variant. On other transcripts: non-coding transcript variant (1), intron variant (1).
Genome position (GRCh38, 1-based): chr11:112,087,897, C>G. VCF-style: chr11-112087897-C-G. GRCh37 (hg19) VCF-style: chr11-111958621-C-G.
Other names: c.93C>G, p.Ile31Met (NM_001276503.2, NM_001276506.2); c.52+938C>G (NM_001276504.2); short protein forms I31M.
Identifiers: ClinVar variation 1766819 (VCV001766819.10), dbSNP rs766096986, ClinGen allele CA382616979.
Genomic context (GRCh38, chr11:112,087,897, plus strand): 5'-CCTAATGACTCTTTCCTCAGCTCTGTTGCTTCGAACTCCAGTGGTCAGACCTGCTCATAT[C>G]TCAGCATTTCTTCAGGACCGACCTATCCCAGAATGGTGTGGAGTGCAGCACATACACTTG-3'
Protein context (NP_002993.1, residues 21-41): LRTPVVRPAH[Ile31Met]SAFLQDRPIP

ClinVar aggregate classification (germline): Uncertain significance. Review status: criteria provided, multiple submitters, no conflicts (2 of 4 stars). 2 submissions from 2 submitters: Uncertain significance (2). Last evaluated 2025-03-21.

Conditions:
Hereditary cancer-predisposing syndrome. Also called: Hereditary Cancer Syndrome; Hereditary neoplastic syndrome; Neoplastic Syndromes, Hereditary; Tumor predisposition. Identifiers: Orphanet 140162, MedGen C0027672, MeSH D009386, MONDO:0015356.
Pheochromocytoma. Also called: MAX-Related Hereditary Paraganglioma-Pheochromocytoma Syndrome. Identifiers: Orphanet 29072, MedGen C0031511, MONDO:0008233, OMIM 171300, HP:0002666.
Carney-Stratakis syndrome. Also called: PARAGANGLIOMA AND GASTROINTESTINAL STROMAL TUMOR. Identifiers: Orphanet 97286, MedGen C1847319, MONDO:0011740, OMIM 606864.
Paragangliomas with sensorineural hearing loss. Identifiers: MedGen C1868633.
Cowden syndrome 3 (CWS3). Identifiers: Orphanet 201, MedGen CN166604, MONDO:0014045.

gnomAD v4.1: 2 of 1,613,920 alleles (0.00012%); highest among the groups gnomAD compares: East Asian, 0.0045%; no homozygotes.

Submissions (2):

Ambry Genetics
Classification: Uncertain significance for Hereditary cancer-predisposing syndrome. Last evaluated: 2025-03-21. Review status: criteria provided, single submitter. Criteria: Ambry Variant Classification Scheme 2023. Collection method: clinical testing. Allele origin: germline.
Comment: The p.I31M variant (also known as c.93C>G), located in coding exon 2 of the SDHD gene, results from a C to G substitution at nucleotide position 93. The isoleucine at codon 31 is replaced by methionine, an amino acid with highly similar properties. This amino acid position is poorly conserved in available vertebrate species. In addition, the in silico prediction for this alteration is inconclusive. Based on the available evidence, the clinical significance of this variant remains unclear.

Labcorp Genetics (formerly Invitae), Labcorp
Classification: Uncertain significance for Carney-Stratakis syndrome; Paragangliomas with sensorineural hearing loss; Pheochromocytoma; Cowden syndrome 3. Last evaluated: 2024-03-28. Review status: criteria provided, single submitter. Criteria: Invitae Variant Classification Sherloc (09022015). Collection method: clinical testing. Allele origin: germline.
Comment: This sequence change replaces isoleucine, which is neutral and non-polar, with methionine, which is neutral and non-polar, at codon 31 of the SDHD protein (p.Ile31Met). This variant is present in population databases (no rsID available, gnomAD 0.006%). This variant has not been reported in the literature in individuals affected with SDHD-related conditions. ClinVar contains an entry for this variant (Variation ID: 1766819). Advanced modeling of protein sequence and biophysical properties (such as structural, functional, and spatial information, amino acid conservation, physicochemical variation, residue mobility, and thermodynamic stability) performed at Invitae indicates that this missense variant is not expected to disrupt SDHD protein function with a negative predictive value of 95%. In summary, the available evidence is currently insufficient to determine the role of this variant in disease. Therefore, it has been classified as a Variant of Uncertain Significance.